The following is an entry in ClinVar:

ClinVar aggregate classification (germline): Uncertain significance (1 of 4 stars; one submission).

Conditions:
Retinoblastoma (RB1). Also called: RETINOBLASTOMA, SOMATIC. Identifiers: Orphanet 790, MedGen C0035335, MeSH D012175, MONDO:0008380, OMIM 180200, HP:0009919. Disease mechanism: loss of function. Inheritance: Both sporadic and heritable forms are tested..

gnomAD v4.1: 1 of 1,205,354 alleles (0.000083%); highest among the groups gnomAD compares: Non-Finnish European, 0.00011%; no homozygotes.

Submission:

Labcorp Genetics (formerly Invitae), Labcorp
Classification: Uncertain significance for Retinoblastoma. Last evaluated: 2026-01-12. Review status: criteria provided, single submitter. Criteria: Invitae Variant Classification Sherloc (09022015). Collection method: clinical testing. Allele origin: germline.
Comment: This variant occurs in a non-coding region of the RB1 gene. It does not change the encoded amino acid sequence of the RB1 protein. This variant is not present in population databases (gnomAD no frequency). This variant has not been reported in the literature in individuals affected with RB1-related conditions. ClinVar contains an entry for this variant (Variation ID: 3712705). In summary, the available evidence is currently insufficient to determine the role of this variant in disease. Therefore, it has been classified as a Variant of Uncertain Significance.

NM_000321.3(RB1):c.-155G>A

Gene: RB1 (RB transcriptional corepressor 1; plus strand). Cytogenetic location: 13q14.2.
Variant type: single nucleotide variant.
Coding change: c.-155G>A on transcript NM_000321.3 (MANE Select); 155 bases upstream of the start codon, G replaced by A.
Molecular consequence: 5 prime UTR variant.
Genome position (GRCh38, 1-based): chr13:48,303,758, G>A. VCF-style: chr13-48303758-G-A. GRCh37 (hg19) VCF-style: chr13-48877894-G-A.
Other names: c.-155G>A (NM_001407165.1, NM_001407166.1, NM_001407167.1).
Identifiers: ClinVar variation 3712705 (VCV003712705.2).